The following is an entry in ClinVar:

ClinVar aggregate classification (germline): Uncertain significance (1 of 4 stars; one submission).

Conditions:
TTN-related disorder. Also called: TTN-related condition; TTN-related disease; TTN-related disorders.

Allele frequency attached by ClinVar (database versions not stated): gnomAD 0.00001; TOPMed below 0.00001.
gnomAD v4.1: 1 of 1,613,496 alleles (0.000062%); highest among the groups gnomAD compares: East Asian, 0.0022%; no homozygotes.

Submission:

PreventionGenetics, part of Exact Sciences
Classification: Uncertain significance for TTN-related condition. Last evaluated: 2023-04-20. Review status: criteria provided, single submitter. Criteria: ACMG Guidelines, 2015. Collection method: clinical testing. Allele origin: germline.
Comment: The TTN c.79150T>G variant is predicted to result in the amino acid substitution p.Phe26384Val. To our knowledge, this variant has not been reported in the literature or in a large population database, indicating this variant is rare. At this time, the clinical significance of this variant is uncertain due to the absence of conclusive functional and genetic evidence.

NM_001267550.2(TTN):c.79150T>G (p.Phe26384Val)

Genes: TTN (titin; minus strand), TTN-AS1 (TTN antisense RNA 1; plus strand). Cytogenetic location: 2q31.2.
Variant type: single nucleotide variant.
Coding change: c.79150T>G on transcript NM_001267550.2 (MANE Select); coding-DNA position 79150, T replaced by G.
Protein change: p.Phe26384Val; replaces phenylalanine 26384 with valine.
Molecular consequence: missense variant.
Genome position (GRCh38, 1-based): chr2:178,566,982, A>C on the plus strand (T>G on the coding strand, the complement: TTN is on the minus strand). VCF-style: chr2-178566982-A-C. GRCh37 (hg19) VCF-style: chr2-179431709-A-C.
Other names: c.51955T>G, p.Phe17319Val (NM_003319.4); c.71446T>G, p.Phe23816Val (NM_133378.4); c.52330T>G, p.Phe17444Val (NM_133432.3); c.52531T>G, p.Phe17511Val (NM_133437.4); c.74227T>G, p.Phe24743Val (NM_001256850.1); short protein forms F17319V, F17444V, F17511V, F23816V, F24743V, F26384V.
Identifiers: ClinVar variation 2632863 (VCV002632863.1), dbSNP rs1415195094, ClinGen allele CA349599384.